The following is an entry in ClinVar:

NM_001048174.2(MUTYH):c.1538C>T (p.Ala513Val)

Gene: MUTYH (mutY DNA glycosylase; minus strand). Cytogenetic location: 1p34.1.
Variant type: single nucleotide variant.
Coding change: c.1538C>T on transcript NM_001048174.2 (MANE Select); coding-DNA position 1538, C replaced by T.
Protein change: p.Ala513Val; replaces alanine 513 with valine.
Molecular consequence: missense variant. On other transcripts: non-coding transcript variant (2).
Genome position (GRCh38, 1-based): chr1:45,329,334, G>A on the plus strand (C>T on the coding strand, the complement: MUTYH is on the minus strand). VCF-style: chr1-45329334-G-A. GRCh37 (hg19) VCF-style: chr1-45795006-G-A.
Other names: c.1538C>T, p.Ala513Val (NM_001048171.2, NM_001048173.2, NM_001293195.2); c.1541C>T, p.Ala514Val (NM_001048172.2); c.1622C>T, p.Ala541Val (NM_001128425.2); c.1583C>T, p.Ala528Val (NM_001293190.2); c.1571C>T, p.Ala524Val (NM_001293191.2); c.1262C>T, p.Ala421Val (NM_001293192.2, NM_001293196.2); c.1193C>T, p.Ala398Val (NM_001350650.2, NM_001350651.2); c.1613C>T, p.Ala538Val (NM_012222.3); short protein forms A541V, A421V, A514V, A524V, A528V, A513V, A538V, A398V.
Identifiers: ClinVar variation 185177 (VCV000185177.28), dbSNP rs751053826, ClinGen allele CA013181.
Genomic context (GRCh38, chr1:45,329,334, plus strand): 5'-GGATTCTCAGGGAATGGGGGCTTTCAGAGGTGTCACTGGGCTGCACTGTTGAGGCTGTGT[G>A]CATCAGTGGAGATGTGAGACCGAAAGAAATTATCCAGGACTTGCTGGCCCATGCGGGGCT-3'
Protein context (NP_001041639.1, residues 503-521): NFFRSHISTD[Ala513Val]HSLNSAAQ

ClinVar aggregate classification (germline): Conflicting classifications of pathogenicity. Review status: criteria provided, conflicting classifications (1 of 4 stars). 8 submissions from 8 submitters: Uncertain significance (6); Likely benign (2). Last evaluated 2026-10-01.

Conditions:
Hereditary cancer-predisposing syndrome. Also called: Hereditary neoplastic syndrome; Tumor predisposition; Neoplastic Syndromes, Hereditary; Hereditary Cancer Syndrome. Identifiers: Orphanet 140162, MedGen C0027672, MeSH D009386, MONDO:0015356.
Familial adenomatous polyposis 2. Also called: Adenomas, multiple colorectal; MUTYH-related attenuated familial adenomatous polyposis; MUTYH Polyposis; COLORECTAL ADENOMATOUS POLYPOSIS, AUTOSOMAL RECESSIVE; ADENOMAS, MULTIPLE COLORECTAL, AUTOSOMAL RECESSIVE; MYH-associated polyposis. Identifiers: Orphanet 220460, Orphanet 247798, MedGen C3272841, MONDO:0012041, OMIM 608456.

Allele frequency attached by ClinVar (database versions not stated): ExAC 0.00001; gnomAD 0.00001.
gnomAD v4.1: 25 of 1,614,080 alleles (0.0015%); highest among the groups gnomAD compares: Non-Finnish European, 0.002%; no homozygotes.

Submissions (8):

St. Jude Molecular Pathology, St. Jude Children's Research Hospital
Classification: Uncertain significance for Familial adenomatous polyposis 2. Last evaluated: 2026-10-01. Review status: criteria provided, single submitter. Criteria: St. Jude Assertion Criteria 2020. Collection method: clinical testing. Allele origin: germline.
Comment: The MUTYH c.1622C>T p.(Ala541Val) missense change has a maximum subpopulation frequency of 0.0009% in gnomAD v2.1.1. The in silico tool REVEL predicts a benign effect on protein function, but to our knowledge this prediction has not been confirmed by functional studies. To our knowledge, this variant has not been reported in individuals with MUTYH-associated polyposis. In summary, the evidence currently available is insufficient to determine the clinical significance of this variant. It has therefore been classified as of uncertain significance (VUS-Low).

Women's Health and Genetics/Laboratory Corporation of America, LabCorp
Classification: Uncertain significance. Last evaluated: 2026-02-17. Review status: criteria provided, single submitter. Criteria: LabCorp Variant Classification Summary - May 2015. Collection method: clinical testing. Allele origin: germline.
Comment: Variant summary: MUTYH c.1622C>T (p.Ala541Val) results in a non-conservative amino acid change in the encoded protein sequence. Algorithms developed to predict the effect of missense changes on protein structure and function are either unavailable or do not agree on the potential impact of this missense change. The variant allele was found at a frequency of 4e-06 in 251496 control chromosomes. The available data on variant occurrences in the general population are insufficient to allow any conclusion about variant significance. To our knowledge, no occurrence of c.1622C>T in individuals affected with MUTYH-related conditions and no experimental evidence demonstrating its impact on protein function have been reported. ClinVar contains an entry for this variant (Variation ID: 185177). Based on the evidence outlined above, the variant was classified as uncertain significance.

Color Diagnostics, LLC DBA Color Health
Classification: Likely benign for Hereditary cancer-predisposing syndrome. Last evaluated: 2025-10-22. Review status: criteria provided, single submitter. Criteria: ACMG Guidelines, 2015. Collection method: clinical testing. Allele origin: germline.

Ambry Genetics
Classification: Likely benign for Hereditary cancer-predisposing syndrome. Last evaluated: 2024-07-19. Review status: criteria provided, single submitter. Criteria: Ambry Variant Classification Scheme 2023. Collection method: clinical testing. Allele origin: germline.

Labcorp Genetics (formerly Invitae), Labcorp
Classification: Uncertain significance for Familial adenomatous polyposis 2. Last evaluated: 2024-01-25. Review status: criteria provided, single submitter. Criteria: Invitae Variant Classification Sherloc (09022015). Collection method: clinical testing. Allele origin: germline.
Comment: This sequence change replaces alanine, which is neutral and non-polar, with valine, which is neutral and non-polar, at codon 541 of the MUTYH protein (p.Ala541Val). This variant is present in population databases (rs751053826, gnomAD 0.0009%). This variant has not been reported in the literature in individuals affected with MUTYH-related conditions. ClinVar contains an entry for this variant (Variation ID: 185177). Algorithms developed to predict the effect of missense changes on protein structure and function output the following: SIFT: "Not Available"; PolyPhen-2: "Benign"; Align-GVGD: "Not Available". The valine amino acid residue is found in multiple mammalian species, which suggests that this missense change does not adversely affect protein function. In summary, the available evidence is currently insufficient to determine the role of this variant in disease. Therefore, it has been classified as a Variant of Uncertain Significance.

All of Us Research Program, National Institutes of Health
Classification: Uncertain significance for Familial adenomatous polyposis 2. Last evaluated: 2023-11-02. Review status: criteria provided, single submitter. Criteria: ACMG Guidelines, 2015. Collection method: clinical testing. Allele origin: germline. Inheritance: Autosomal recessive inheritance. Observed: 4 variant alleles, 4 heterozygotes.
Comment: This missense variant replaces alanine with valine at codon 541 of the MUTYH protein. This variant is also known as c.1580C>T (p.Ala527Val) based on an alternative transcript (NM_001048171). Computational prediction suggests that this variant may not impact protein structure and function (internally defined REVEL score threshold <= 0.5, PMID: 27666373). Splice site prediction tools suggest that this variant may not impact RNA splicing. To our knowledge, functional studies have not been performed for this variant. This variant has not been reported in individuals affected with hereditary cancer in the literature. This variant has been identified in 1/251496 chromosomes in the general population by the Genome Aggregation Database (gnomAD). The available evidence is insufficient to determine the role of this variant in disease conclusively. Therefore, this variant is classified as a Variant of Uncertain Significance.

This study involves interpretation of variants in research participants for the purpose of population health screening. Participant phenotype was not available at the time of variant classification. Additional details can be found in publication PMID: 35346344, PMCID: PMC8962531

GeneDx
Classification: Uncertain significance. Last evaluated: 2021-12-13. Review status: criteria provided, single submitter. Criteria: GeneDx Variant Classification Process June 2021. Collection method: clinical testing. Allele origin: germline. Affected: yes.
Comment: Not observed at significant frequency in large population cohorts (Lek 2016); In silico analysis supports that this missense variant does not alter protein structure/function; Has not been previously published as pathogenic or benign to our knowledge; This variant is associated with the following publications: (PMID: 27103403)

Sema4
Classification: Uncertain significance for Hereditary cancer-predisposing syndrome. Last evaluated: 2021-05-04. Review status: criteria provided, single submitter. Criteria: Sema4 Curation Guidelines. Collection method: curation. Allele origin: germline.
Comment: The MUTYH c.1622C>T (p.A541V) variant has been reported in 2/60466 breast cancer cases and 2/53461 healthy controls by a large case-control study (PMID: 33471991). This variant was observed in 1/113770 chromosomes in the European (non-Finnish) population according to the Genome Aggregation Database (PMID: 32461654) and has been reported in ClinVar (Variation ID: 185177). In silico tools suggest the impact of the variant on protein function is inconclusive, though these predictions have not been confirmed by functional studies. Based on the current evidence available, this variant is interpreted as a variant of uncertain significance.

Literature cited by the submitters: PubMed 33471991 (cited by Sema4).